The following is an entry in ClinVar:

NM_018389.5(SLC35C1):c.630G>A (p.Ser210=)

Gene: SLC35C1 (solute carrier family 35 member C1; plus strand). Cytogenetic location: 11p11.2.
Variant type: single nucleotide variant.
Coding change: c.630G>A on transcript NM_018389.5 (MANE Select); coding-DNA position 630, G replaced by A.
Protein change: p.Ser210=; no amino-acid change (serine 210 retained).
Molecular consequence: synonymous variant.
Genome position (GRCh38, 1-based): chr11:45,810,870, G>A. VCF-style: chr11-45810870-G-A. GRCh37 (hg19) VCF-style: chr11-45832421-G-A.
Other names: c.591G>A, p.Ser197= (NM_001145265.2, NM_001145266.2).
Identifiers: ClinVar variation 1534591 (VCV001534591.9), dbSNP rs200577486, ClinGen allele CA5958300.

ClinVar aggregate classification (germline): Likely benign. Review status: criteria provided, single submitter (1 of 4 stars). 2 submissions from 2 submitters: Likely benign (1). 1 of the submissions does not count toward it. Last evaluated 2023-05-25.

Conditions:
SLC35C1-related disorder. Also called: SLC35C1-related condition.
Leukocyte adhesion deficiency type II. Also called: CONGENITAL DISORDER OF GLYCOSYLATION, TYPE IIc; Congenital disorder of glycosylation type 2C; CDG 2C; Leukocyte adhesion deficiency type 2; Rambam Hasharon syndrome; CDG IIc. Identifiers: Orphanet 2968, Orphanet 99843, MedGen C0398739, MONDO:0009953, OMIM 266265.

Allele frequency attached by ClinVar (database versions not stated): gnomAD 0.00001; TOPMed 0.00002; 1000 Genomes Project 0.00020; 1000 Genomes Project 30x 0.00031.

Submissions (2):

Labcorp Genetics (formerly Invitae), Labcorp
Classification: Likely benign for Leukocyte adhesion deficiency type II. Last evaluated: 2023-05-25. Review status: criteria provided, single submitter. Criteria: Invitae Variant Classification Sherloc (09022015). Collection method: clinical testing. Allele origin: germline.

PreventionGenetics, part of Exact Sciences
Classification: Likely benign for SLC35C1-related condition. Last evaluated: 2019-03-12. Review status: no assertion criteria provided. Collection method: clinical testing. Allele origin: germline. Not counted in ClinVar's aggregate classification.
Comment: This variant is classified as likely benign based on ACMG/AMP sequence variant interpretation guidelines (Richards et al. 2015 PMID: 25741868, with internal and published modifications).